The following is an entry in ClinVar:

ClinVar aggregate classification (germline): Uncertain significance. Review status: criteria provided, multiple submitters, no conflicts (2 of 4 stars). 3 submissions from 3 submitters: Uncertain significance (2). 1 of the submissions does not count toward it. Last evaluated 2021-08-02.

Conditions:
Microcephaly. Also called: Microcephaly (disease). Identifiers: MedGen C4551563, MONDO:0001149, HP:0000252.

Allele frequency attached by ClinVar (database versions not stated): ExAC 0.00001; gnomAD exomes 0.00002.
gnomAD v4.1: 12 of 1,613,644 alleles (0.00074%); highest among the groups gnomAD compares: South Asian, 0.0088%; no homozygotes.

Submissions (3):

Labcorp Genetics (formerly Invitae), Labcorp
Classification: Uncertain significance. Last evaluated: 2021-08-02. Review status: criteria provided, single submitter. Criteria: Invitae Variant Classification Sherloc (09022015). Collection method: clinical testing. Allele origin: germline.
Comment: In summary, the available evidence is currently insufficient to determine the role of this variant in disease. Therefore, it has been classified as a Variant of Uncertain Significance. Algorithms developed to predict the effect of missense changes on protein structure and function are either unavailable or do not agree on the potential impact of this missense change (SIFT: "Tolerated"; PolyPhen-2: "Probably Damaging"; Align-GVGD: "Class C0"). ClinVar contains an entry for this variant (Variation ID: 813541). This variant has not been reported in the literature in individuals affected with EMC1-related conditions. This variant is present in population databases (rs777684249, ExAC 0.01%). This sequence change replaces glutamic acid with lysine at codon 884 of the EMC1 protein (p.Glu884Lys). The glutamic acid residue is highly conserved and there is a small physicochemical difference between glutamic acid and lysine.

Blueprint Genetics
Classification: Uncertain significance. Last evaluated: 2019-06-14. Review status: criteria provided, single submitter. Criteria: ACMG Guidelines, 2015. Collection method: clinical testing. Allele origin: germline.

Department of Pediatrics, Samsung Medical Center, Samsung Medical Center
Classification: Uncertain significance for Microcephaly. Review status: no assertion criteria provided. Criteria: ACMG Guidelines, 2015. Collection method: research. Allele origin: germline. Affected: yes. Not counted in ClinVar's aggregate classification.

NM_015047.3(EMC1):c.2650G>A (p.Glu884Lys)

Genes: EMC1 (ER membrane protein complex subunit 1; minus strand), EMC1-AS1 (EMC1 antisense RNA 1; plus strand). Cytogenetic location: 1p36.13.
Variant type: single nucleotide variant.
Coding change: c.2650G>A on transcript NM_015047.3 (MANE Select); coding-DNA position 2650, G replaced by A.
Protein change: p.Glu884Lys; replaces glutamic acid 884 with lysine.
Molecular consequence: missense variant.
Genome position (GRCh38, 1-based): chr1:19,220,786, C>T on the plus strand (G>A on the coding strand, the complement: EMC1 is on the minus strand). VCF-style: chr1-19220786-C-T. GRCh37 (hg19) VCF-style: chr1-19547280-C-T.
Other names: c.2647G>A, p.Glu883Lys (NM_001271427.2, NM_001271428.2); c.2584G>A, p.Glu862Lys (NM_001271429.2); c.2659G>A, p.Glu887Lys (NM_001375820.1); c.2656G>A, p.Glu886Lys (NM_001375821.1); short protein forms E883K, E887K, E884K, E886K, E862K.
Identifiers: ClinVar variation 813541 (VCV000813541.7), dbSNP rs777684249, ClinGen allele CA652198.
Genomic context (GRCh38, chr1:19,220,786, plus strand): 5'-AAGGTCAGAGCCTTCAGCACTGCCCATGAGGGTCTCACCTGCTTTGTTCTGTTGGGATCT[C>T]GGGGCGGCGGGGATCCAGCAAAGCCTTAGGAAGGGAAAGAATTGCTCCAGAAGGTAGTCC-3'
Protein context (NP_055862.1, residues 874-894): PKALLDPRRP[Glu884Lys]IPTEQSREEN